The following is an entry in ClinVar:

ClinVar aggregate classification (germline): Likely benign (0 of 4 stars; one submission).

Conditions:
HOXA10-related disorder. Also called: HOXA10-related condition.

Allele frequency attached by ClinVar (database versions not stated): ExAC 0.00090; gnomAD 0.00123; TOPMed 0.00131; 1000 Genomes Project 0.00140; 1000 Genomes Project 30x 0.00203.

Submission:

PreventionGenetics, part of Exact Sciences
Classification: Likely benign for HOXA10-related condition. Last evaluated: 2019-07-01. Review status: no assertion criteria provided. Collection method: clinical testing. Allele origin: germline.
Comment: This variant is classified as likely benign based on ACMG/AMP sequence variant interpretation guidelines (Richards et al. 2015 PMID: 25741868, with internal and published modifications).

NM_018951.4(HOXA10):c.825C>G (p.Pro275=)

Genes: HOXA10 (homeobox A10; minus strand), HOXA10-HOXA9 (HOXA10-HOXA9 readthrough; minus strand). Cytogenetic location: 7p15.2.
Variant type: single nucleotide variant.
Coding change: c.825C>G on transcript NM_018951.4 (MANE Select); coding-DNA position 825, C replaced by G.
Protein change: p.Pro275=; no amino-acid change (proline 275 retained).
Molecular consequence: synonymous variant.
Genome position (GRCh38, 1-based): chr7:27,173,482, G>C on the plus strand (C>G on the coding strand, the complement: HOXA10 is on the minus strand). VCF-style: chr7-27173482-G-C. GRCh37 (hg19) VCF-style: chr7-27213101-G-C.
Identifiers: ClinVar variation 3042964 (VCV003042964.2), dbSNP rs576560374, ClinGen allele CA4198066.
Genomic context (GRCh38, chr7:27,173,482, plus strand): 5'-CGACGCGTGCGCCTCCTCGTCGCCCTGCGAGCCCCCGCCGCTGCCGCAAGCCAGCGTGGG[G>C]GGCGGCGGCGAATCGAGGGCTCGCTCCTTCCGGGCCGCATCGGCCGAGCCGGAGGCTAGC-3'
Protein context (NP_061824.3, residues 265-285): RKERALDSPP[Pro275=]PTLACGSGGG